The following is an entry in ClinVar:

NM_000038.6(APC):c.4747A>C (p.Met1583Leu)

Gene: APC (APC regulator of Wnt signaling pathway; plus strand). Cytogenetic location: 5q22.2.
Variant type: single nucleotide variant.
Coding change: c.4747A>C on transcript NM_000038.6 (MANE Select); coding-DNA position 4747, A replaced by C.
Protein change: p.Met1583Leu; replaces methionine 1583 with leucine.
Molecular consequence: missense variant.
Genome position (GRCh38, 1-based): chr5:112,840,341, A>C. VCF-style: chr5-112840341-A-C. GRCh37 (hg19) VCF-style: chr5-112176038-A-C.
Other names: c.4747A>C, p.Met1583Leu (NM_001127510.3, NM_001354895.2); c.4693A>C, p.Met1565Leu (NM_001127511.3); c.4801A>C, p.Met1601Leu (NM_001354896.2); c.4777A>C, p.Met1593Leu (NM_001354897.2); c.4672A>C, p.Met1558Leu (NM_001354898.2); c.4663A>C, p.Met1555Leu (NM_001354899.2); c.4624A>C, p.Met1542Leu (NM_001354900.2); c.4570A>C, p.Met1524Leu (NM_001354901.2); and 5 more; short protein forms M1492L, M1593L, M1300L, M1423L, M1565L, M1524L, M1542L, M1555L.
Identifiers: ClinVar variation 1473902 (VCV001473902.10), dbSNP rs753723223, ClinGen allele CA16031740.

ClinVar aggregate classification (germline): Uncertain significance. Review status: criteria provided, multiple submitters, no conflicts (2 of 4 stars). 2 submissions from 2 submitters: Uncertain significance (2). Last evaluated 2022-10-26.

Conditions:
Hereditary cancer-predisposing syndrome. Also called: Neoplastic Syndromes, Hereditary; Hereditary Cancer Syndrome; Tumor predisposition; Hereditary neoplastic syndrome. Identifiers: Orphanet 140162, MedGen C0027672, MeSH D009386, MONDO:0015356.
Familial adenomatous polyposis 1 (FAP1). Also called: FAMILIAL ADENOMATOUS POLYPOSIS 1, ATTENUATED; POLYPOSIS, ADENOMATOUS INTESTINAL. Identifiers: MedGen C2713442, MONDO:0021056, OMIM 175100. Disease mechanism: loss of function.

Submissions (2):

Ambry Genetics
Classification: Uncertain significance for Hereditary cancer-predisposing syndrome. Last evaluated: 2022-10-26. Review status: criteria provided, single submitter. Criteria: Ambry Variant Classification Scheme 2023. Collection method: clinical testing. Allele origin: germline.
Comment: The p.M1583L variant (also known as c.4747A>C), located in coding exon 15 of the APC gene, results from an A to C substitution at nucleotide position 4747. The methionine at codon 1583 is replaced by leucine, an amino acid with highly similar properties. In a study of whole-exome sequencing in patients with features of Cowden syndrome (CS) or Bannayan-Riley-Ruvalcaba syndrome (BRRS) and negative PTEN testing, this alteration was identified in 0/87 patients with CS or BRRS and 1/3476 patients from The Cancer Genome Atlas (TCGA) (Yehia L et al. PLoS Genet, 2018 04;14:e1007352). This amino acid position is highly conserved in available vertebrate species. In addition, in silico predictors for this gene do not accurately predict pathogenicity. Since supporting evidence is limited at this time, the clinical significance of this alteration remains unclear.

Labcorp Genetics (formerly Invitae), Labcorp
Classification: Uncertain significance for Familial adenomatous polyposis 1. Last evaluated: 2021-05-28. Review status: criteria provided, single submitter. Criteria: Invitae Variant Classification Sherloc (09022015). Collection method: clinical testing. Allele origin: germline.
Comment: This sequence change replaces methionine with leucine at codon 1583 of the APC protein (p.Met1583Leu). The methionine residue is highly conserved and there is a small physicochemical difference between methionine and leucine. This variant is not present in population databases (ExAC no frequency). This variant has not been reported in the literature in individuals with APC-related conditions. Algorithms developed to predict the effect of missense changes on protein structure and function are either unavailable or do not agree on the potential impact of this missense change (SIFT: "Deleterious"; PolyPhen-2: "Probably Damaging"; Align-GVGD: "Class C0"). In summary, the available evidence is currently insufficient to determine the role of this variant in disease. Therefore, it has been classified as a Variant of Uncertain Significance.

Literature cited by the submitters: PubMed 29684080 (cited by Ambry Genetics).